The following is an entry in ClinVar:

ClinVar aggregate classification (germline): Uncertain significance (1 of 4 stars; one submission).

Submission:

Labcorp Genetics (formerly Invitae), Labcorp
Classification: Uncertain significance. Last evaluated: 2022-09-07. Review status: criteria provided, single submitter. Criteria: Invitae Variant Classification Sherloc (09022015). Collection method: clinical testing. Allele origin: germline.
Comment: This variant, c.3745_3750del, results in the deletion of 2 amino acid(s) of the PCLO protein (p.Leu1249_Pro1250del), but otherwise preserves the integrity of the reading frame. This variant is not present in population databases (gnomAD no frequency). This variant has not been reported in the literature in individuals affected with PCLO-related conditions. ClinVar contains an entry for this variant (Variation ID: 1498533). Experimental studies and prediction algorithms are not available or were not evaluated, and the functional significance of this variant is currently unknown. In summary, the available evidence is currently insufficient to determine the role of this variant in disease. Therefore, it has been classified as a Variant of Uncertain Significance.

NM_033026.6(PCLO):c.3745_3750del (p.Leu1249_Pro1250del)

Gene: PCLO (piccolo presynaptic cytomatrix protein; minus strand). Cytogenetic location: 7q21.11.
Variant type: Deletion.
Coding change: c.3745_3750del on transcript NM_033026.6 (MANE Select); coding-DNA positions 3745 to 3750, 6 bases deleted (CTCCCA; older notation c.3745_3750delCTCCCA).
Protein change: p.Leu1249_Pro1250del.
Molecular consequence: inframe deletion.
Genome position (GRCh38, 1-based): chr7:82,966,038-82,966,043, TGGGAG deleted on the plus strand (CTCCCA on the coding strand, the reverse complement: PCLO is on the minus strand); deleting any 6 consecutive bases within chr7:82,966,038-82,966,044 gives the same sequence; the c. name uses the placement nearest the transcript's 3' end. VCF-style (leftmost placement, unchanged base first): chr7-82966037-CTGGGAG-C. GRCh37 (hg19) VCF-style: chr7-82595353-CTGGGAG-C.
Other names: c.3745_3750del, p.Leu1249_Pro1250del (NM_014510.3).
Identifiers: ClinVar variation 1498533 (VCV001498533.3), dbSNP rs2115659903, ClinGen allele CA2573142499.
Genomic context (GRCh38, chr7:82,966,037, plus strand): 5'-TTTGTACTTGAGATTTAAGTAAGTCATGTTTCTGTTCTTCTGGGGCTGATGTTTTTGCCT[CTGGGAG>C]TAGCTTTTTGTCTTCAGGGGTTGGCTTTTTTTCTTCTAGGAGTGGCTTTTTTTCTTCAGA-3'